The following is an entry in ClinVar:

ClinVar aggregate classification (germline): Uncertain significance. Review status: criteria provided, multiple submitters, no conflicts (2 of 4 stars). 6 submissions from 4 submitters: Uncertain significance (6). Last evaluated 2026-07-27.

Conditions:
Inborn genetic diseases. Identifiers: MedGen C0950123, MeSH D030342.
Amyotrophic lateral sclerosis type 5 (ALS5). Also called: AMYOTROPHIC LATERAL SCLEROSIS 5, JUVENILE. Identifiers: Orphanet 300605, MedGen C1865864, MONDO:0011196, OMIM 602099.
Charcot-Marie-Tooth disease axonal type 2X. Also called: CHARCOT-MARIE-TOOTH DISEASE, AXONAL, AUTOSOMAL RECESSIVE, TYPE 2X; CHARCOT-MARIE-TOOTH NEUROPATHY, TYPE 2X. Identifiers: Orphanet 466775, MedGen C5569024, MONDO:0014726, OMIM 616668.
Hereditary spastic paraplegia 11. Also called: Nakamura Osame syndrome; Autosomal recessive hereditary spastic paraplegia, mental impairment, and thin corpus callosum; Spastic Paraplegia 11; SPASTIC PARAPLEGIA, AUTOSOMAL RECESSIVE, COMPLICATED, WITH THIN CORPUS CALLOSUM; SPASTIC PARAPLEGIA, AUTOSOMAL RECESSIVE, WITH MENTAL IMPAIRMENT AND THIN CORPUS CALLOSUM; Spastic paraplegia, mental retardation and thin corpus callosum. Identifiers: Orphanet 2822, MedGen C1858479, MONDO:0011445, OMIM 604360.

Allele frequency attached by ClinVar (database versions not stated): ESP Exome Variant Server 0.00015; TOPMed 0.00006; gnomAD 0.00003.
gnomAD v4.1: 62 of 1,613,610 alleles (0.0038%); highest among the groups gnomAD compares: Admixed American, 0.022%; no homozygotes.

Submissions (6):

GeneDx
Classification: Uncertain significance. Last evaluated: 2026-07-27. Review status: criteria provided, single submitter. Criteria: GeneDx Variant Classification Process June 2021. Collection method: clinical testing. Allele origin: germline.
Comment: In silico analysis suggests that this missense variant does not alter protein structure/function; Has not been previously published as pathogenic or benign to our knowledge

Labcorp Genetics (formerly Invitae), Labcorp
Classification: Uncertain significance for Hereditary spastic paraplegia 11. Last evaluated: 2024-10-24. Review status: criteria provided, single submitter. Criteria: Invitae Variant Classification Sherloc (09022015). Collection method: clinical testing. Allele origin: germline.
Comment: This sequence change replaces isoleucine, which is neutral and non-polar, with valine, which is neutral and non-polar, at codon 647 of the SPG11 protein (p.Ile647Val). This variant is present in population databases (rs375256495, gnomAD 0.02%). This variant has not been reported in the literature in individuals affected with SPG11-related conditions. ClinVar contains an entry for this variant (Variation ID: 406520). Invitae Evidence Modeling of protein sequence and biophysical properties (such as structural, functional, and spatial information, amino acid conservation, physicochemical variation, residue mobility, and thermodynamic stability) indicates that this missense variant is not expected to disrupt SPG11 protein function with a negative predictive value of 80%. In summary, the available evidence is currently insufficient to determine the role of this variant in disease. Therefore, it has been classified as a Variant of Uncertain Significance.

Ambry Genetics
Classification: Uncertain significance for Inborn genetic diseases. Last evaluated: 2024-09-04. Review status: criteria provided, single submitter. Criteria: Ambry Variant Classification Scheme 2023. Collection method: clinical testing. Allele origin: germline.

Genome-Nilou Lab
Classification: Uncertain significance for Amyotrophic lateral sclerosis type 5. Review status: criteria provided, single submitter. Criteria: ACMG Guidelines, 2015. Collection method: clinical testing. Allele origin: germline.

Genome-Nilou Lab
Classification: Uncertain significance for Charcot-Marie-Tooth disease axonal type 2X. Review status: criteria provided, single submitter. Criteria: ACMG Guidelines, 2015. Collection method: clinical testing. Allele origin: germline.

Genome-Nilou Lab
Classification: Uncertain significance for Hereditary spastic paraplegia 11. Review status: criteria provided, single submitter. Criteria: ACMG Guidelines, 2015. Collection method: clinical testing. Allele origin: germline.

NM_025137.4(SPG11):c.1939A>G (p.Ile647Val)

Gene: SPG11 (SPG11 vesicle trafficking associated, spatacsin; minus strand). Cytogenetic location: 15q21.1.
Variant type: single nucleotide variant.
Coding change: c.1939A>G on transcript NM_025137.4 (MANE Select); coding-DNA position 1939, A replaced by G.
Protein change: p.Ile647Val; replaces isoleucine 647 with valine.
Molecular consequence: missense variant.
Genome position (GRCh38, 1-based): chr15:44,628,797, T>C on the plus strand (A>G on the coding strand, the complement: SPG11 is on the minus strand). VCF-style: chr15-44628797-T-C. GRCh37 (hg19) VCF-style: chr15-44920995-T-C.
Other names: c.1939A>G, p.Ile647Val (NM_001160227.2); short protein forms I647V.
Identifiers: ClinVar variation 406520 (VCV000406520.12), dbSNP rs375256495, ClinGen allele CA7535383.